The following is an entry in ClinVar:

NM_000051.4(ATM):c.8071C>G (p.Arg2691Gly)

Genes: ATM (ATM serine/threonine kinase; plus strand), C11orf65 (chromosome 11 open reading frame 65; minus strand). Cytogenetic location: 11q22.3.
Variant type: single nucleotide variant.
Coding change: c.8071C>G on transcript NM_000051.4 (MANE Select); coding-DNA position 8071, C replaced by G.
Protein change: p.Arg2691Gly; replaces arginine 2691 with glycine.
Molecular consequence: missense variant. On other transcripts: intron variant (2).
Genome position (GRCh38, 1-based): chr11:108,335,029, C>G. VCF-style: chr11-108335029-C-G. GRCh37 (hg19) VCF-style: chr11-108205756-C-G.
Other names: c.8071C>G, p.Arg2691Gly (NM_001351834.2); c.641-25958G>C (NM_001330368.2); c.*38+191G>C (NM_001351110.2); short protein forms R2691G.
Identifiers: ClinVar variation 827432 (VCV000827432.49), dbSNP rs531980488, ClinGen allele CA382562002.

ClinVar aggregate classification (germline): Uncertain significance. Review status: criteria provided, multiple submitters, no conflicts (2 of 4 stars). 2 submissions from 2 submitters: Uncertain significance (2). Last evaluated 2021-09-09.

Conditions:
Hereditary cancer-predisposing syndrome. Also called: Tumor predisposition; Neoplastic Syndromes, Hereditary; Hereditary Cancer Syndrome; Hereditary neoplastic syndrome. Identifiers: Orphanet 140162, MedGen C0027672, MeSH D009386, MONDO:0015356.
Ataxia-telangiectasia syndrome (AT). Also called: ATAXIA-TELANGIECTASIA, COMPLEMENTATION GROUP A; ATAXIA-TELANGIECTASIA, FRESNO VARIANT; Ataxia-telangiectasia; Ataxia-telangiectasia, complementation group D; AT, COMPLEMENTATION GROUP C; Ataxia-telangiectasia, complementation group E. Identifiers: Orphanet 100, MedGen C0004135, MONDO:0008840, OMIM 208900.

Submissions (2):

Labcorp Genetics (formerly Invitae), Labcorp
Classification: Uncertain significance for Ataxia-telangiectasia syndrome. Last evaluated: 2021-09-09. Review status: criteria provided, single submitter. Criteria: Invitae Variant Classification Sherloc (09022015). Collection method: clinical testing. Allele origin: germline.
Comment: In summary, the available evidence is currently insufficient to determine the role of this variant in disease. Therefore, it has been classified as a Variant of Uncertain Significance. Algorithms developed to predict the effect of missense changes on protein structure and function (SIFT, PolyPhen-2, Align-GVGD) all suggest that this variant is likely to be tolerated. This sequence change replaces arginine with glycine at codon 2691 of the ATM protein (p.Arg2691Gly). The arginine residue is moderately conserved and there is a moderate physicochemical difference between arginine and glycine. This variant is not present in population databases (ExAC no frequency). This variant has not been reported in the literature in individuals affected with ATM-related conditions. ClinVar contains an entry for this variant (Variation ID: 827432).

Ambry Genetics
Classification: Uncertain significance for Hereditary cancer-predisposing syndrome. Last evaluated: 2019-06-28. Review status: criteria provided, single submitter. Criteria: Ambry Variant Classification Scheme 2023. Collection method: clinical testing. Allele origin: germline.
Comment: The p.R2691G variant (also known as c.8071C>G), located in coding exon 54 of the ATM gene, results from a C to G substitution at nucleotide position 8071. The arginine at codon 2691 is replaced by glycine, an amino acid with dissimilar properties. This amino acid position is well conserved in available vertebrate species. In addition, the in silico prediction for this alteration is inconclusive. Since supporting evidence is limited at this time, the clinical significance of this alteration remains unclear.